The following is an entry in ClinVar:

ClinVar aggregate classification (germline): Conflicting classifications of pathogenicity. Review status: criteria provided, conflicting classifications (1 of 4 stars). 12 submissions from 12 submitters: Pathogenic (1); Likely pathogenic (7); Uncertain significance (3). 1 of the submissions does not count toward it. Last evaluated 2026-02-24.

Conditions:
6-Pyruvoyl-tetrahydrobiopterin synthase deficiency. Also called: 6-Pyruvoyltetrahydropterin Synthase Deficiency; PTS DEFICIENCY; Hyperphenylalanemia, BH4-deficient, A; Hyperphenylalaninemia due to 6-pyruvoyl-tetrahydropterin synthase deficiency; BH4-deficient hyperphenylalaninemia A; HYPERPHENYLALANINEMIA, TETRAHYDROBIOPTERIN-DEFICIENT, DUE TO PTS DEFICIENCY. Identifiers: Orphanet 13, Orphanet 238583, MedGen C0878676, MONDO:0009863, OMIM 261640.
Inborn genetic diseases. Identifiers: MedGen C0950123, MeSH D030342.

Allele frequency attached by ClinVar (database versions not stated): gnomAD 0.00003 and 0.00004; gnomAD exomes 0.00005 and 0.00007; TOPMed 0.00006; ExAC 0.00008; ESP Exome Variant Server 0.00008; 1000 Genomes Project 30x 0.00016; 1000 Genomes Project 0.00020.
gnomAD v4.1: 74 of 1,613,354 alleles (0.0046%); highest among the groups gnomAD compares: Middle Eastern, 0.05%; no homozygotes.

Submissions (12):

Dasa
Classification: Likely pathogenic. Last evaluated: 2026-02-24. Review status: criteria provided, single submitter. Criteria: DASA Assertion Criteria. Collection method: clinical testing. Allele origin: germline.
Comment: NM_000317.3(PTS):c.370G>T (p.Val124Leu) is a missense variant that results in the substitution of valine with leucine. Functional evidence supports a deleterious effect on the gene or gene product (PMID: 11388593; PMID: 27243974). This variant has been recurrently observed in individuals with related phenotype (PMID: 11388593; PMID: 27243974). The variant is present at low frequency in population datasets. Based on the available data, this variant is classified as likely pathogenic.

Natera, Inc.
Classification: Likely pathogenic for 6-Pyruvoyl-tetrahydrobiopterin synthase deficiency. Last evaluated: 2025-12-29. Review status: criteria provided, single submitter. Criteria: Natera Variant Classification Schema (03/2026). Collection method: clinical testing. Allele origin: germline.
Comment: The c.370G>T variant in PTS is a missense variant predicted to cause substitution of valine to leucine at amino acid 124. This variant is rare in the general population with a frequency below the threshold expected for the associated phenotype(s). This variant has been observed in one or more individuals affected with the associated recessive disease, as either homozygous or compound heterozygous with a second variant (PMID: 32651154, 29577258, 41245228). Functional studies show that this variant may disrupt protein function (PMID: 11388593). Multiple computational prediction algorithms suggest this variant is unlikely to affect gene or protein function. Given the available evidence, this variant is classified as Likely Pathogenic.

Labcorp Genetics (formerly Invitae), Labcorp
Classification: Pathogenic for 6-Pyruvoyl-tetrahydrobiopterin synthase deficiency. Last evaluated: 2025-12-14. Review status: criteria provided, single submitter. Criteria: Invitae Variant Classification Sherloc (09022015). Collection method: clinical testing. Allele origin: germline.
Comment: This sequence change replaces valine, which is neutral and non-polar, with leucine, which is neutral and non-polar, at codon 124 of the PTS protein (p.Val124Leu). This variant is present in population databases (rs150726932, gnomAD 0.01%). This missense change has been observed in individual(s) with PTPS deficiency (PMID: 11388593, 27243974). In at least one individual the data is consistent with being in trans (on the opposite chromosome) from a pathogenic variant. ClinVar contains an entry for this variant (Variation ID: 556231). An algorithm developed to predict the effect of missense changes on protein structure and function outputs the following: PolyPhen-2: "Benign". The leucine amino acid residue is found in multiple mammalian species, which suggests that this missense change does not adversely affect protein function. Experimental studies have shown that this missense change affects PTS function (PMID: 11388593). For these reasons, this variant has been classified as Pathogenic.

Revvity Omics, Revvity
Classification: Likely pathogenic for 6-Pyruvoyl-tetrahydrobiopterin synthase deficiency. Last evaluated: 2025-01-02. Review status: criteria provided, single submitter. Criteria: ACMG Guidelines, 2015. Collection method: clinical testing. Allele origin: germline.

Blueprint Genetics
Classification: Uncertain significance. Last evaluated: 2024-09-24. Review status: criteria provided, single submitter. Criteria: ACMG Guidelines, 2015. Collection method: clinical testing. Allele origin: germline.

Fulgent Genetics
Classification: Likely pathogenic for 6-Pyruvoyl-tetrahydrobiopterin synthase deficiency. Last evaluated: 2024-04-24. Review status: criteria provided, single submitter. Criteria: ACMG Guidelines, 2015. Collection method: clinical testing. Allele origin: germline.

Institute of Human Genetics, University of Leipzig Medical Center
Classification: Likely pathogenic for 6-Pyruvoyl-tetrahydrobiopterin synthase deficiency. Last evaluated: 2024-03-04. Review status: criteria provided, single submitter. Criteria: ACMG Guidelines, 2015. Collection method: clinical testing. Allele origin: maternal. Inheritance: Autosomal recessive inheritance. Affected: yes.
Comment: Criteria applied: PM3_STR,PM1_SUP,PM2_SUP,PP4

Laboratory of Medical Genetics, National & Kapodistrian University of Athens
Classification: Likely pathogenic for 6-Pyruvoyl-tetrahydrobiopterin synthase deficiency. Last evaluated: 2024-02-01. Review status: criteria provided, single submitter. Criteria: ACMG Guidelines, 2015. Collection method: curation. Allele origin: germline. Affected: no.

Ambry Genetics
Classification: Uncertain significance for Inborn genetic diseases. Last evaluated: 2022-01-26. Review status: criteria provided, single submitter. Criteria: Ambry Variant Classification Scheme 2023. Collection method: clinical testing. Allele origin: germline.
Comment: The c.370G>T (p.V124L) alteration is located in exon 6 (coding exon 6) of the PTS gene. This alteration results from a G to T substitution at nucleotide position 370, causing the valine (V) at amino acid position 124 to be replaced by a leucine (L). Based on data from gnomAD, the T allele has an overall frequency of 0.007% (20/281996) total alleles studied. The highest observed frequency was 0.014% (5/35380) of Latino alleles. This alteration has been reported with a second alteration in PTS, in two patients with a mild form of 6-pyruvoyl-tetrahydropterin synthase deficiency (PTPS) (Dudesek, 2001; Yubero, 2016; Cort&egrave;s-Saladelafont, 2018). This amino acid position is not well conserved in available vertebrate species. PTPS activity in fibroblast and red blood cells of the patient with p.L26F/p.V124L were low compared to controls (Dudesek, 2001). The in silico prediction for this alteration is inconclusive. Based on insufficient or conflicting evidence, the clinical significance of this alteration remains unclear.

Genome-Nilou Lab
Classification: Uncertain significance for 6-Pyruvoyl-tetrahydrobiopterin synthase deficiency. Last evaluated: 2021-05-18. Review status: criteria provided, single submitter. Criteria: ACMG Guidelines, 2015. Collection method: clinical testing. Allele origin: germline. Affected: no.

Kariminejad - Najmabadi Pathology & Genetics Center
Classification: Likely pathogenic for 6-Pyruvoyl-tetrahydrobiopterin synthase deficiency. Review status: criteria provided, single submitter. Criteria: ACMG Guidelines, 2015. Collection method: clinical testing. Allele origin: germline. Affected: no.

Counsyl
Classification: Uncertain significance for 6-Pyruvoyl-tetrahydrobiopterin synthase deficiency. Last evaluated: 2018-01-19. Review status: no assertion criteria provided. Collection method: clinical testing. Allele origin: unknown. Not counted in ClinVar's aggregate classification.

Literature cited by the submitters: PubMed 11388593 (cited by 5 submitters); PubMed 27243974 (cited by 4 submitters); PubMed 32651154 (cited by Natera, Inc.); PubMed 29577258 (cited by Natera, Inc. and Ambry Genetics); PubMed 41245228 (cited by Natera, Inc.).

NM_000317.3(PTS):c.370G>T (p.Val124Leu)

Gene: PTS (6-pyruvoyltetrahydropterin synthase; plus strand). Cytogenetic location: 11q23.1.
Variant type: single nucleotide variant.
Coding change: c.370G>T on transcript NM_000317.3 (MANE Select); coding-DNA position 370, G replaced by T.
Protein change: p.Val124Leu; replaces valine 124 with leucine.
Molecular consequence: missense variant.
Genome position (GRCh38, 1-based): chr11:112,233,487, G>T. VCF-style: chr11-112233487-G-T. GRCh37 (hg19) VCF-style: chr11-112104210-G-T.
Other names: short protein forms V124L.
Identifiers: ClinVar variation 556231 (VCV000556231.34), dbSNP rs150726932, ClinGen allele CA6278590.
Genomic context (GRCh38, chr11:112,233,487, plus strand): 5'-TATAGCACGACTGAAAATGTAGCTGTTTATATCTGGGACAACCTCCAGAAAGTTCTTCCT[G>T]TAGGAGTTCTTTATAAAGTAAAAGTATACGAAACTGACAATAATATTGTGGTTTATAAAG-3'
Protein context (NP_000308.1, residues 114-134): IWDNLQKVLP[Val124Leu]GVLYKVKVYE